The following is an entry in ClinVar:

ClinVar aggregate classification (germline): Uncertain significance (1 of 4 stars; one submission).

Conditions:
Hyperparathyroidism 1 (HRPT1). Also called: HYPERPARATHYROIDISM, FAMILIAL ISOLATED PRIMARY. Identifiers: Orphanet 99879, MedGen C1840402, MONDO:0007767, OMIM 145000.

Allele frequency attached by ClinVar (database versions not stated): gnomAD exomes below 0.00001 and 0.00001; TOPMed below 0.00001; gnomAD 0.00001; ExAC 0.00003.
gnomAD v4.1: 6 of 1,572,872 alleles (0.00038%); highest among the groups gnomAD compares: African/African-American, 0.0027%; no homozygotes.

Submission:

Baylor Genetics
Classification: Uncertain significance for Hyperparathyroidism 1. Last evaluated: 2018-04-17. Review status: criteria provided, single submitter. Criteria: ACMG Guidelines, 2015. Collection method: clinical testing. Allele origin: paternal. Affected: yes.
Comment: This variant was determined to be of uncertain significance according to ACMG Guidelines, 2015 [PMID:25741868].

NM_024529.5(CDC73):c.973-23487G>A

Genes: CDC73 (cell division cycle 73; plus strand), B3GALT2 (beta-1,3-galactosyltransferase 2; minus strand). Cytogenetic location: 1q31.2.
Variant type: single nucleotide variant.
Coding change: c.973-23487G>A on transcript NM_024529.5 (MANE Select); 23487 bases into the intron before coding-DNA position 973, G replaced by A.
Molecular consequence: intron variant. On other transcripts: missense variant (1).
Genome position (GRCh38, 1-based): chr1:193,180,308, G>A. VCF-style: chr1-193180308-G-A. GRCh37 (hg19) VCF-style: chr1-193149438-G-A.
Other names: c.1255C>T, p.Arg419Cys (NM_003783.3); short protein forms R419C.
Identifiers: ClinVar variation 1031373 (VCV001031373.1), dbSNP rs765816443, ClinGen allele CA1303530.